The following is an entry in ClinVar:

NM_000093.5(COL5A1):c.3055C>G (p.Pro1019Ala)

Gene: COL5A1 (collagen type V alpha 1 chain; plus strand). Cytogenetic location: 9q34.3.
Variant type: single nucleotide variant.
Coding change: c.3055C>G on transcript NM_000093.5 (MANE Select); coding-DNA position 3055, C replaced by G.
Protein change: p.Pro1019Ala; replaces proline 1019 with alanine.
Molecular consequence: missense variant.
Genome position (GRCh38, 1-based): chr9:134,802,936, C>G. VCF-style: chr9-134802936-C-G. GRCh37 (hg19) VCF-style: chr9-137694782-C-G.
Other names: c.3055C>G, p.Pro1019Ala (NM_001278074.1); short protein forms P1019A.
Identifiers: ClinVar variation 161458 (VCV000161458.2), dbSNP rs193920927, ClinGen allele CA174073.

ClinVar aggregate classification (germline): Uncertain significance (0 of 4 stars; one submission).

Conditions:
Prostate cancer. Also called: Malignant tumor of prostate. Identifiers: Orphanet 1331, MedGen C0376358, MONDO:0008315, HP:0012125.

Submission:

Science for Life laboratory,  Karolinska Institutet
Classification: Uncertain significance for Malignant tumor of prostate. Review status: no assertion criteria provided. Collection method: not provided. Allele origin: somatic.
Comment: TumorID:SWE-19
ClinVar note: Converted during submission from Unknown to Uncertain significance.